The following is an entry in ClinVar:

ClinVar aggregate classification (germline): Uncertain significance (1 of 4 stars; one submission).

Conditions:
Charcot-Marie-Tooth disease type 2E (CMT2E). Also called: CHARCOT-MARIE-TOOTH NEUROPATHY, TYPE 2E; CHARCOT-MARIE-TOOTH DISEASE, AXONAL, TYPE 2E. Identifiers: Orphanet 99939, MedGen C1843225, MONDO:0011894, OMIM 607684.

Allele frequency attached by ClinVar (database versions not stated): gnomAD exomes below 0.00001.

Submission:

Labcorp Genetics (formerly Invitae), Labcorp
Classification: Uncertain significance for Charcot-Marie-Tooth disease type 2E. Last evaluated: 2019-12-31. Review status: criteria provided, single submitter. Criteria: Invitae Variant Classification Sherloc (09022015). Collection method: clinical testing. Allele origin: germline.
Comment: In summary, the available evidence is currently insufficient to determine the role of this variant in disease. Therefore, it has been classified as a Variant of Uncertain Significance. Algorithms developed to predict the effect of missense changes on protein structure and function (SIFT, PolyPhen-2, Align-GVGD) all suggest that this variant is likely to be disruptive, but these predictions have not been confirmed by published functional studies and their clinical significance is uncertain. This variant has not been reported in the literature in individuals with NEFL-related conditions. This variant is not present in population databases (ExAC no frequency). This sequence change replaces tyrosine with cysteine at codon 442 of the NEFL protein (p.Tyr442Cys). The tyrosine residue is highly conserved and there is a large physicochemical difference between tyrosine and cysteine.

NM_006158.5(NEFL):c.1325A>G (p.Tyr442Cys)

Gene: NEFL (neurofilament light chain; minus strand). Cytogenetic location: 8p21.2.
Variant type: single nucleotide variant.
Coding change: c.1325A>G on transcript NM_006158.5 (MANE Select); coding-DNA position 1325, A replaced by G.
Protein change: p.Tyr442Cys; replaces tyrosine 442 with cysteine.
Molecular consequence: missense variant.
Genome position (GRCh38, 1-based): chr8:24,953,640, T>C on the plus strand (A>G on the coding strand, the complement: NEFL is on the minus strand). VCF-style: chr8-24953640-T-C. GRCh37 (hg19) VCF-style: chr8-24811154-T-C.
Other names: short protein forms Y442C.
Identifiers: ClinVar variation 835542 (VCV000835542.5), dbSNP rs1461577846, ClinGen allele CA370620181.